The following is an entry in ClinVar:

NM_006979.3(SLC39A7):c.1024C>T (p.Arg342Ter)

Gene: SLC39A7 (solute carrier family 39 member 7; plus strand). Cytogenetic location: 6p21.32.
Variant type: single nucleotide variant.
Coding change: c.1024C>T on transcript NM_006979.3 (MANE Select); coding-DNA position 1024, C replaced by T.
Protein change: p.Arg342Ter; replaces arginine 342 with a stop codon.
Molecular consequence: nonsense.
Genome position (GRCh38, 1-based): chr6:33,202,993, C>T. VCF-style: chr6-33202993-C-T. GRCh37 (hg19) VCF-style: chr6-33170770-C-T.
Other names: c.1024C>T, p.Arg342Ter (NM_001077516.2); c.649C>T, p.Arg217Ter (NM_001288777.2); short protein forms R217*, R342*.
Identifiers: ClinVar variation 1944870 (VCV001944870.2), dbSNP rs750261286, ClinGen allele CA3752410.
Genomic context (GRCh38, chr6:33,202,993, plus strand): 5'-AATCTGGCTGCTGACTTGGCACACAACTTCACTGATGGTCTGGCCATTGGGGCTTCCTTT[C>T]GAGGGGGCCGGGGACTAGGGATCCTGACCACAATGACTGTCCTGCTACATGAAGTGCCCC-3'

ClinVar aggregate classification (germline): Uncertain significance (1 of 4 stars; one submission).

Allele frequency attached by ClinVar (database versions not stated): gnomAD 0.00001; gnomAD exomes 0.00001; ExAC 0.00002; TOPMed 0.00002.
gnomAD v4.1: 13 of 1,612,458 alleles (0.00081%); highest among the groups gnomAD compares: African/African-American, 0.004%; no homozygotes.

Submission:

Labcorp Genetics (formerly Invitae), Labcorp
Classification: Uncertain significance. Last evaluated: 2022-04-12. Review status: criteria provided, single submitter. Criteria: Invitae Variant Classification Sherloc (09022015). Collection method: clinical testing. Allele origin: germline.
Comment: This sequence change creates a premature translational stop signal (p.Arg342*) in the SLC39A7 gene. It is expected to result in an absent or disrupted protein product. However, the current clinical and genetic evidence is not sufficient to establish whether loss-of-function variants in SLC39A7 cause disease. This variant is present in population databases (rs750261286, gnomAD 0.01%). This variant has not been reported in the literature in individuals affected with SLC39A7-related conditions. In summary, the available evidence is currently insufficient to determine the role of this variant in disease. Therefore, it has been classified as a Variant of Uncertain Significance.